The following is an entry in ClinVar:

ClinVar aggregate classification (germline): Uncertain significance. Review status: criteria provided, multiple submitters, no conflicts (2 of 4 stars). 3 submissions from 3 submitters: Uncertain significance (2). 1 of the submissions does not count toward it. Last evaluated 2025-05-15.

Conditions:
Fanconi anemia complementation group J. Also called: BRIP1-Related Fanconi Anemia. Identifiers: Orphanet 84, MedGen C1836860, MONDO:0012187, OMIM 609054.
Familial cancer of breast. Also called: hereditary breast carcinoma; BREAST CANCER, FAMILIAL; Hereditary breast cancer. Identifiers: Orphanet 227535, MedGen C0346153, MONDO:0016419, OMIM 114480. Disease mechanism: loss of function.
BRIP1-related disorder. Also called: BRIP1-related condition; BRIP1-related disorders. Identifiers: MedGen CN239206.
Hereditary cancer-predisposing syndrome. Also called: Neoplastic Syndromes, Hereditary; Hereditary Cancer Syndrome; Hereditary neoplastic syndrome; Tumor predisposition. Identifiers: Orphanet 140162, MedGen C0027672, MeSH D009386, MONDO:0015356.

Allele frequency attached by ClinVar (database versions not stated): gnomAD exomes below 0.00001.
gnomAD v4.1: 1 of 1,613,668 alleles (0.000062%); highest among the groups gnomAD compares: African/African-American, 0.0013%; no homozygotes.

Submissions (3):

Ambry Genetics
Classification: Uncertain significance for Hereditary cancer-predisposing syndrome. Last evaluated: 2025-05-15. Review status: criteria provided, single submitter. Criteria: Ambry Variant Classification Scheme 2023. Collection method: clinical testing. Allele origin: germline.
Comment: The p.I1209V variant (also known as c.3625A>G), located in coding exon 19 of the BRIP1 gene, results from an A to G substitution at nucleotide position 3625. The isoleucine at codon 1209 is replaced by valine, an amino acid with highly similar properties. This amino acid position is not well conserved on limited sequence alignment. In addition, this alteration is predicted to be tolerated by in silico analysis. Since supporting evidence is limited at this time, the clinical significance of this alteration remains unclear.

Labcorp Genetics (formerly Invitae), Labcorp
Classification: Uncertain significance for Familial cancer of breast; Fanconi anemia complementation group J. Last evaluated: 2021-03-29. Review status: criteria provided, single submitter. Criteria: Invitae Variant Classification Sherloc (09022015). Collection method: clinical testing. Allele origin: germline.
Comment: This sequence change replaces isoleucine with valine at codon 1209 of the BRIP1 protein (p.Ile1209Val). The isoleucine residue is weakly conserved and there is a small physicochemical difference between isoleucine and valine. This variant is not present in population databases (ExAC no frequency). This variant has not been reported in the literature in individuals with BRIP1-related conditions. ClinVar contains an entry for this variant (Variation ID: 824006). Algorithms developed to predict the effect of missense changes on protein structure and function (SIFT, PolyPhen-2, Align-GVGD) all suggest that this variant is likely to be tolerated, but these predictions have not been confirmed by published functional studies and their clinical significance is uncertain. In summary, the available evidence is currently insufficient to determine the role of this variant in disease. Therefore, it has been classified as a Variant of Uncertain Significance.

PreventionGenetics, part of Exact Sciences
Classification: Uncertain significance for BRIP1-related condition. Last evaluated: 2024-02-06. Review status: no assertion criteria provided. Collection method: clinical testing. Allele origin: germline. Not counted in ClinVar's aggregate classification.
Comment: The BRIP1 c.3625A>G variant is predicted to result in the amino acid substitution p.Ile1209Val. To our knowledge, this variant has not been reported in the literature or in a large population database, indicating this variant is rare. This variant has been reported as a germline variant of uncertain significance in ClinVar. At this time, the clinical significance of this variant is uncertain due to the absence of conclusive functional and genetic evidence.

NM_032043.3(BRIP1):c.3625A>G (p.Ile1209Val)

Gene: BRIP1 (BRCA1 interacting DNA helicase 1; minus strand). Cytogenetic location: 17q23.2.
Variant type: single nucleotide variant.
Coding change: c.3625A>G on transcript NM_032043.3 (MANE Select); coding-DNA position 3625, A replaced by G.
Protein change: p.Ile1209Val; replaces isoleucine 1209 with valine.
Molecular consequence: missense variant.
Genome position (GRCh38, 1-based): chr17:61,683,421, T>C on the plus strand (A>G on the coding strand, the complement: BRIP1 is on the minus strand). VCF-style: chr17-61683421-T-C. GRCh37 (hg19) VCF-style: chr17-59760782-T-C.
Other names: short protein forms I1209V.
Identifiers: ClinVar variation 824006 (VCV000824006.16), dbSNP rs1603274780, ClinGen allele CA400477978.